The following is an entry in ClinVar:

ClinVar aggregate classification (germline): Benign (0 of 4 stars; one submission).

Conditions:
SEMA5A-related disorder. Also called: SEMA5A-related condition.

Allele frequency attached by ClinVar (database versions not stated): TOPMed 0.00012; gnomAD 0.00022; ESP Exome Variant Server 0.00023; 1000 Genomes Project 30x 0.00078; 1000 Genomes Project 0.00080.
gnomAD v4.1: 491 of 1,613,888 alleles (0.03%); highest among the groups gnomAD compares: South Asian, 0.33%; 1 homozygote.

Submission:

PreventionGenetics, part of Exact Sciences
Classification: Benign for SEMA5A-related condition. Last evaluated: 2019-02-20. Review status: no assertion criteria provided. Collection method: clinical testing. Allele origin: germline.
Comment: This variant is classified as benign based on ACMG/AMP sequence variant interpretation guidelines (Richards et al. 2015 PMID: 25741868, with internal and published modifications).

NM_003966.3(SEMA5A):c.2984G>A (p.Arg995Gln)

Gene: SEMA5A (semaphorin 5A; minus strand). Cytogenetic location: 5p15.31.
Variant type: single nucleotide variant.
Coding change: c.2984G>A on transcript NM_003966.3 (MANE Select); coding-DNA position 2984, G replaced by A.
Protein change: p.Arg995Gln; replaces arginine 995 with glutamine.
Molecular consequence: missense variant.
Genome position (GRCh38, 1-based): chr5:9,044,494, C>T on the plus strand (G>A on the coding strand, the complement: SEMA5A is on the minus strand). VCF-style: chr5-9044494-C-T. GRCh37 (hg19) VCF-style: chr5-9044606-C-T.
Other names: short protein forms R995Q.
Identifiers: ClinVar variation 3041731 (VCV003041731.2), dbSNP rs138316526, ClinGen allele CA3196229.
Genomic context (GRCh38, chr5:9,044,494, plus strand): 5'-TTAAGGGGGGCAGGTGAGACGGGGTGGATGACAGTCGCATCGTGGGATTGCTGCTGGTAC[C>T]GCTGGCAGTAAGTATAGACGAGCAGGGTGAGGAGGCAGCCGAGGATGGAGCTGCTCAGCC-3'
Protein context (NP_003957.2, residues 985-1005): LTLLVYTYCQ[Arg995Gln]YQQQSHDATV